The following is an entry in ClinVar:

NC_000002.11:g.(?_152466303)_(152554182_?)del

Gene: NEB (nebulin; minus strand). Cytogenetic location: 2q23.3.
Variant type: Deletion.
Identifiers: ClinVar variation 3247253 (VCV003247253.1).

ClinVar aggregate classification (germline): Pathogenic (1 of 4 stars; one submission).

Conditions:
Nemaline myopathy 2 (NEM2). Also called: Nemaline myopathy 2, autosomal recessive. Identifiers: MedGen C1850569, MONDO:0009725, OMIM 256030.

Submission:

Labcorp Genetics (formerly Invitae), Labcorp
Classification: Pathogenic for Nemaline myopathy 2. Last evaluated: 2023-04-06. Review status: criteria provided, single submitter. Criteria: Invitae Variant Classification Sherloc (09022015). Collection method: clinical testing. Allele origin: unknown.
Comment: For these reasons, this variant has been classified as Pathogenic. This variant disrupts a region of the NEB protein in which other variant(s) (p.Glu2431Lys) have been determined to be pathogenic (PMID: 16917880, 27854218; Invitae). This suggests that this is a clinically significant region of the protein, and that variants that disrupt it are likely to be disease-causing. This variant has not been reported in the literature in individuals affected with NEB-related conditions. This variant is a gross deletion of the genomic region encompassing exon(s) 14-81 of the NEB gene. This variant would be expected to be in-frame, preserving the integrity of the reading frame.

Literature cited by the submitters: PubMed 16917880; PubMed 27854218.